The following is an entry in ClinVar:

NM_001849.4(COL6A2):c.510C>T (p.Cys170=)

Gene: COL6A2 (collagen type VI alpha 2 chain; plus strand). Cytogenetic location: 21q22.3.
Variant type: single nucleotide variant.
Coding change: c.510C>T on transcript NM_001849.4 (MANE Select); coding-DNA position 510, C replaced by T.
Protein change: p.Cys170=; no amino-acid change (cysteine 170 retained).
Molecular consequence: synonymous variant.
Genome position (GRCh38, 1-based): chr21:46,112,373, C>T. VCF-style: chr21-46112373-C-T. GRCh37 (hg19) VCF-style: chr21-47532287-C-T.
Other names: p.Cys170=; c.510C>T, p.Cys170= (NM_058174.3, NM_058175.3).
Identifiers: ClinVar variation 196330 (VCV000196330.63), dbSNP rs142328765, ClinGen allele CA202305.

ClinVar aggregate classification (germline): Benign/Likely benign. Review status: criteria provided, multiple submitters, no conflicts (2 of 4 stars). 13 submissions from 13 submitters: Benign (6); Likely benign (5). 2 of the submissions do not count toward it. Last evaluated 2026-08-01.

Conditions:
Inborn genetic diseases. Identifiers: MedGen C0950123, MeSH D030342.
Myosclerosis. Also called: Myosclerosis, congenital; MYOPATHY, MYOSCLEROTIC; MYOSCLEROSIS, CONGENITAL, OF LOWENTHAL. Identifiers: Orphanet 289380, MedGen C1850671, MONDO:0009714, OMIM 255600.
Bethlem myopathy 1A. Also called: Bethlem Muscular Dystrophy; MYOPATHY, BENIGN CONGENITAL, WITH CONTRACTURES; Bethlem myopathy 1. Identifiers: Orphanet 610, MedGen CN029274, MONDO:0024530, OMIM 158810.
Ullrich congenital muscular dystrophy 1A. Also called: Intermediate COL6-RD; Ullrich congenital muscular dystrophy 1. Identifiers: Orphanet 75840, MedGen C0410179, MONDO:0009681, OMIM 254090.
Collagen 6-related myopathy. Identifiers: MedGen CN117976, MONDO:0100225.

Allele frequency attached by ClinVar (database versions not stated): 1000 Genomes Project 30x 0.00172; 1000 Genomes Project 0.00180; gnomAD 0.00318 and 0.00343; ESP Exome Variant Server 0.00332; gnomAD exomes 0.00342 and 0.00519; ExAC 0.00348; TOPMed 0.00348.
gnomAD v4.1: 7,990 of 1,606,742 alleles (0.5%); highest among the groups gnomAD compares: Non-Finnish European, 0.6%; 24 homozygotes.

Submissions (13):

CeGaT Center for Human Genetics Tuebingen
Classification: Likely benign. Last evaluated: 2026-08-01. Review status: criteria provided, single submitter. Criteria: CeGaT Center For Human Genetics Tuebingen Variant Classification Criteria Version 2. Collection method: clinical testing. Allele origin: germline. Affected: yes. Observed: 20 variant alleles.
Comment: COL6A2: BP4, BP7, BS2

Labcorp Genetics (formerly Invitae), Labcorp
Classification: Benign for Bethlem myopathy 1A. Last evaluated: 2026-01-27. Review status: criteria provided, single submitter. Criteria: Invitae Variant Classification Sherloc (09022015). Collection method: clinical testing. Allele origin: germline.

Mayo Clinic Laboratories, Mayo Clinic
Classification: Benign. Last evaluated: 2025-05-16. Review status: criteria provided, single submitter. Criteria: ACMG Guidelines, 2015. Collection method: clinical testing. Allele origin: germline. Observed: 7 variant alleles.
Comment: BS1, BS2, BP4, BP7

Blueprint Genetics
Classification: Likely benign. Last evaluated: 2024-11-28. Review status: criteria provided, single submitter. Criteria: ACMG Guidelines, 2015. Collection method: clinical testing. Allele origin: germline.

Ambry Genetics
Classification: Likely benign for Inborn genetic diseases. Last evaluated: 2023-05-26. Review status: criteria provided, single submitter. Criteria: Ambry Variant Classification Scheme 2023. Collection method: clinical testing. Allele origin: germline.

Fulgent Genetics
Classification: Likely benign for Bethlem myopathy 1A; Ullrich congenital muscular dystrophy 1A; Myosclerosis. Last evaluated: 2021-12-13. Review status: criteria provided, single submitter. Criteria: ACMG Guidelines, 2015. Collection method: clinical testing. Allele origin: unknown.

GeneDx
Classification: Benign. Last evaluated: 2020-08-17. Review status: criteria provided, single submitter. Criteria: GeneDx Variant Classification Process June 2021. Collection method: clinical testing. Allele origin: germline. Affected: yes.

Illumina Laboratory Services, Illumina
Classification: Benign for Collagen VI-related myopathy. Last evaluated: 2018-01-12. Review status: criteria provided, single submitter. Criteria: ICSL Variant Classification Criteria 13 December 2019. Collection method: clinical testing. Allele origin: germline.
Comment: This variant was observed in the ICSL laboratory as part of a predisposition screen in an ostensibly healthy population. It had not been previously curated by ICSL or reported in the Human Gene Mutation Database (HGMD: prior to June 1st, 2018), and was therefore a candidate for classification through an automated scoring system. Utilizing variant allele frequency, disease prevalence and penetrance estimates, and inheritance mode, an automated score was calculated to assess if this variant is too frequent to cause the disease. Based on the score and internal cut-off values, a variant classified as benign is not then subjected to further curation. The score for this variant resulted in a classification of benign for this disease.

Eurofins Ntd Llc (ga)
Classification: Benign. Last evaluated: 2015-03-06. Review status: criteria provided, single submitter. Criteria: EGL Classification Definitions 2015. Collection method: clinical testing. Allele origin: germline. Observed: 3 variant alleles, 3 heterozygotes.

Breakthrough Genomics
Classification: Likely benign. Review status: criteria provided, single submitter. Criteria: ACMG Guidelines, 2015. Collection method: not provided. Allele origin: germline. Inheritance: Autosomal recessive inheritance. Affected: yes.

PreventionGenetics, part of Exact Sciences
Classification: Benign. Review status: criteria provided, single submitter. Criteria: ACMG Guidelines, 2015. Collection method: clinical testing. Allele origin: germline.

Clinical Genetics DNA and cytogenetics Diagnostics Lab, Erasmus MC, Erasmus Medical Center
Classification: Likely benign. Review status: no assertion criteria provided. Collection method: clinical testing. Allele origin: germline. Affected: yes. Study: VKGL Data-share Consensus. Not counted in ClinVar's aggregate classification.

Joint Genome Diagnostic Labs from Nijmegen and Maastricht, Radboudumc and MUMC+
Classification: Likely benign. Review status: no assertion criteria provided. Collection method: clinical testing. Allele origin: germline. Affected: yes. Study: VKGL Data-share Consensus. Not counted in ClinVar's aggregate classification.